The following is an entry in ClinVar:

NM_015272.5(RPGRIP1L):c.3781G>A (p.Asp1261Asn)

Gene: RPGRIP1L (RPGRIP1 like; minus strand). Cytogenetic location: 16q12.2.
Variant type: single nucleotide variant.
Coding change: c.3781G>A on transcript NM_015272.5 (MANE Select); coding-DNA position 3781, G replaced by A.
Protein change: p.Asp1261Asn; replaces aspartic acid 1261 with asparagine.
Molecular consequence: missense variant.
Genome position (GRCh38, 1-based): chr16:53,605,535, C>T on the plus strand (G>A on the coding strand, the complement: RPGRIP1L is on the minus strand). VCF-style: chr16-53605535-C-T. GRCh37 (hg19) VCF-style: chr16-53639447-C-T.
Other names: c.3541G>A, p.Asp1181Asn (NM_001127897.4); c.3643G>A, p.Asp1215Asn (NM_001308334.3); c.3679G>A, p.Asp1227Asn (NM_001330538.2); c.3781G>A (NM_015272.4); short protein forms D1181N, D1261N, D1215N, D1227N.
Identifiers: ClinVar variation 436549 (VCV000436549.11), dbSNP rs1445612197, ClinGen allele CA395921259.
Genomic context (GRCh38, chr16:53,605,535, plus strand): 5'-CCATACCATCGATATTTTGCTCAATGAGGTCCCTCCCTTCCTGAAACATGTCGGCAAGGT[C>T]GACGTGAGCCACGCCAATGTCCTCACACTCCAGGTCCTGCTCGTCCTCTGGAGGGTCACT-3'
Protein context (NP_056087.2, residues 1251-1271): ECEDIGVAHV[Asp1261Asn]LADMFQEGRD

ClinVar aggregate classification (germline): Conflicting classifications of pathogenicity. Review status: criteria provided, conflicting classifications (1 of 4 stars). 4 submissions from 4 submitters: Uncertain significance (3); Likely benign (1). Last evaluated 2025-03-26.

Conditions:
RPGRIP1L-related disorder. Also called: RPGRIP1L-related disorders; RPGRIP1L-related condition. Identifiers: MedGen CN239416.
Meckel-Gruber syndrome. Also called: Dysencephalia splachnocystica; DYSENCEPHALIA SPLANCHNOCYSTICA; GRUBER SYNDROME. Identifiers: Orphanet 564, MedGen C0265215, MONDO:0018921.
Joubert syndrome. Also called: JOUBERT-BOLTSHAUSER SYNDROME; Familial aplasia of the vermis. Identifiers: Orphanet 475, MedGen C5979921, MONDO:0018772.
Inborn genetic diseases. Identifiers: MedGen C0950123, MeSH D030342.

Allele frequency attached by ClinVar (database versions not stated): TOPMed below 0.00001.
gnomAD v4.1: 4 of 1,614,074 alleles (0.00025%); highest among the groups gnomAD compares: East Asian, 0.0022%; no homozygotes.

Submissions (4):

PreventionGenetics, part of Exact Sciences
Classification: Uncertain significance for RPGRIP1L-related condition. Last evaluated: 2025-03-26. Review status: criteria provided, single submitter. Criteria: ACMG Guidelines, 2015. Collection method: clinical testing. Allele origin: germline.
Comment: The RPGRIP1L c.3781G>A variant is predicted to result in the amino acid substitution p.Asp1261Asn. To our knowledge, this variant has not been reported in the literature or in a large population database (gnomAD), indicating this variant is rare. At this time, the clinical significance of this variant is uncertain due to the absence of conclusive functional and genetic evidence.

Ambry Genetics
Classification: Likely benign for Inborn genetic diseases. Last evaluated: 2024-03-05. Review status: criteria provided, single submitter. Criteria: Ambry Variant Classification Scheme 2023. Collection method: clinical testing. Allele origin: germline.

Labcorp Genetics (formerly Invitae), Labcorp
Classification: Uncertain significance for Joubert syndrome; Meckel-Gruber syndrome. Last evaluated: 2022-06-20. Review status: criteria provided, single submitter. Criteria: Invitae Variant Classification Sherloc (09022015). Collection method: clinical testing. Allele origin: germline.
Comment: This sequence change replaces aspartic acid, which is acidic and polar, with asparagine, which is neutral and polar, at codon 1261 of the RPGRIP1L protein (p.Asp1261Asn). This variant is not present in population databases (gnomAD no frequency). This variant has not been reported in the literature in individuals affected with RPGRIP1L-related conditions. ClinVar contains an entry for this variant (Variation ID: 436549). Algorithms developed to predict the effect of missense changes on protein structure and function output the following: SIFT: "Tolerated"; PolyPhen-2: "Benign"; Align-GVGD: "Class C0". The asparagine amino acid residue is found in multiple mammalian species, which suggests that this missense change does not adversely affect protein function. In summary, the available evidence is currently insufficient to determine the role of this variant in disease. Therefore, it has been classified as a Variant of Uncertain Significance.

Genetic Services Laboratory, University of Chicago
Classification: Uncertain significance. Last evaluated: 2016-02-18. Review status: criteria provided, single submitter. Criteria: ACMG Guidelines, 2015. Collection method: clinical testing. Allele origin: germline. Affected: no.